The following is an entry in ClinVar:

ClinVar aggregate classification (germline): Uncertain significance (1 of 4 stars; one submission).

Allele frequency attached by ClinVar (database versions not stated): gnomAD exomes below 0.00001.
gnomAD v4.1: 4 of 1,614,092 alleles (0.00025%); highest among the groups gnomAD compares: Non-Finnish European, 0.00034%; no homozygotes.

Submission:

Labcorp Genetics (formerly Invitae), Labcorp
Classification: Uncertain significance. Last evaluated: 2024-01-24. Review status: criteria provided, single submitter. Criteria: Invitae Variant Classification Sherloc (09022015). Collection method: clinical testing. Allele origin: germline.
Comment: This sequence change replaces serine, which is neutral and polar, with arginine, which is basic and polar, at codon 240 of the INPPL1 protein (p.Ser240Arg). This variant is not present in population databases (gnomAD no frequency). This variant has not been reported in the literature in individuals affected with INPPL1-related conditions. ClinVar contains an entry for this variant (Variation ID: 1966678). An algorithm developed to predict the effect of missense changes on protein structure and function (PolyPhen-2) suggests that this variant is likely to be disruptive. In summary, the available evidence is currently insufficient to determine the role of this variant in disease. Therefore, it has been classified as a Variant of Uncertain Significance.

NM_001567.4(INPPL1):c.718A>C (p.Ser240Arg)

Gene: INPPL1 (inositol polyphosphate phosphatase like 1; plus strand). Cytogenetic location: 11q13.4.
Variant type: single nucleotide variant.
Coding change: c.718A>C on transcript NM_001567.4 (MANE Select); coding-DNA position 718, A replaced by C.
Protein change: p.Ser240Arg; replaces serine 240 with arginine.
Molecular consequence: missense variant.
Genome position (GRCh38, 1-based): chr11:72,229,523, A>C. VCF-style: chr11-72229523-A-C. GRCh37 (hg19) VCF-style: chr11-71940567-A-C.
Other names: short protein forms S240R.
Identifiers: ClinVar variation 1966678 (VCV001966678.3), dbSNP rs1948770319, ClinGen allele CA381720457.